The following is an entry in ClinVar:

NM_001375567.1(FOCAD):c.4729-5_4729-4insTTTTTTTTTTTTTTTTTTTTTTTTTTTTTTT

Gene: FOCAD (focadhesin; plus strand). Cytogenetic location: 9p21.3.
Variant type: Insertion.
Coding change: c.4729-5_4729-4insTTTTTTTTTTTTTTTTTTTTTTTTTTTTTTT on transcript NM_001375567.1 (MANE Select); 5 bases into the intron before coding-DNA position 4729 through 4 bases into the intron before coding-DNA position 4729, TTTTTTTTTTTTTTTTTTTTTTTTTTTTTTT inserted.
Molecular consequence: intron variant.
Genome position: GRCh38: chr9:20,986,283-20,986,284. GRCh37 (hg19): chr9:20,986,282-20,986,283.
Other names: c.4729-5_4729-4insTTTTTTTTTTTTTTTTTTTTTTTTTTTTTTT (NM_017794.5); c.4624-5_4624-4insTTTTTTTTTTTTTTTTTTTTTTTTTTTTTTT (NM_001375568.1, NM_001375570.1).
Identifiers: ClinVar variation 2659118 (VCV002659118.24), dbSNP rs545976303, ClinGen allele CA1122104580.

ClinVar aggregate classification (germline): Likely benign (1 of 4 stars; one submission).

Submission:

CeGaT Center for Human Genetics Tuebingen
Classification: Likely benign. Last evaluated: 2024-06-01. Review status: criteria provided, single submitter. Criteria: CeGaT Center For Human Genetics Tuebingen Variant Classification Criteria Version 2. Collection method: clinical testing. Allele origin: germline. Affected: yes. Observed: 3 variant alleles.
Comment: FOCAD: BP4, BS2